The following is an entry in ClinVar:

ClinVar aggregate classification (germline): Conflicting classifications of pathogenicity. Review status: criteria provided, conflicting classifications (1 of 4 stars). 3 submissions from 3 submitters: Uncertain significance (2); Likely benign (1). Last evaluated 2023-03-23.

Conditions:
Hereditary cancer-predisposing syndrome. Also called: Tumor predisposition; Neoplastic Syndromes, Hereditary; Hereditary Cancer Syndrome; Hereditary neoplastic syndrome. Identifiers: Orphanet 140162, MedGen C0027672, MeSH D009386, MONDO:0015356.

Allele frequency attached by ClinVar (database versions not stated): gnomAD exomes below 0.00001.
gnomAD v4.1: 1 of 1,611,068 alleles (0.000062%); highest among the groups gnomAD compares: East Asian, 0.0022%; no homozygotes.

Submissions (3):

University of Washington Department of Laboratory Medicine, University of Washington
Classification: Likely benign for Hereditary cancer-predisposing syndrome. Last evaluated: 2023-03-23. Review status: criteria provided, single submitter. Criteria: Dines et al. (Genet Med. 2020). Collection method: curation. Allele origin: germline.
Comment: Missense variant in a coldspot region where missense variants are very unlikely to be pathogenic (PMID:31911673).

BRCA2 exon 11 coldspot. Reclassification based on statistical prior probability.

Women's Health and Genetics/Laboratory Corporation of America, LabCorp
Classification: Uncertain significance. Last evaluated: 2021-03-13. Review status: criteria provided, single submitter. Criteria: LabCorp Variant Classification Summary - May 2015. Collection method: clinical testing. Allele origin: germline.
Comment: Variant summary: BRCA2 c.2418T>G (p.Asp806Glu) results in a conservative amino acid change in the encoded protein sequence. Five of five in-silico tools predict a benign effect of the variant on protein function. The variant was absent in 247692 control chromosomes. The available data on variant occurrences in the general population are insufficient to allow any conclusion about variant significance. c.2418T>G has been reported in the literature as a VUS in at-least one individual of Japanese ancestry affected with breast cancer (example, Momozawa_2018). This report does not provide unequivocal conclusions about association of the variant with Hereditary Breast And Ovarian Cancer Syndrome. To our knowledge, no experimental evidence demonstrating an impact on protein function has been reported. One clinical diagnostic laboratory has submitted clinical-significance assessments for this variant to ClinVar after 2014 without evidence for independent evaluation and classified the variant as uncertain significance. Based on the evidence outlined above, the variant was classified as uncertain significance.

Quest Diagnostics Nichols Institute San Juan Capistrano
Classification: Uncertain significance. Last evaluated: 2019-07-01. Review status: criteria provided, single submitter. Criteria: Quest Diagnostics criteria. Collection method: clinical testing. Allele origin: germline.

Literature cited by the submitters: PubMed 30287823 (cited by Women's Health and Genetics/Laboratory Corporation of America, LabCorp and Quest Diagnostics Nichols Institute San Juan Capistrano).

NM_000059.4(BRCA2):c.2418T>G (p.Asp806Glu)

Gene: BRCA2 (BRCA2 DNA repair associated; plus strand). Cytogenetic location: 13q13.1.
Variant type: single nucleotide variant.
Coding change: c.2418T>G on transcript NM_000059.4 (MANE Select); coding-DNA position 2418, T replaced by G.
Protein change: p.Asp806Glu; replaces aspartic acid 806 with glutamic acid.
Molecular consequence: missense variant.
Genome position (GRCh38, 1-based): chr13:32,336,773, T>G. VCF-style: chr13-32336773-T-G. GRCh37 (hg19) VCF-style: chr13-32910910-T-G.
Other names: short protein forms D806E.
Identifiers: ClinVar variation 801096 (VCV000801096.6), dbSNP rs1131692107, ClinGen allele CA387772081.